The following is an entry in ClinVar:

NM_182961.4(SYNE1):c.14491G>C (p.Val4831Leu)

Gene: SYNE1 (spectrin repeat containing nuclear envelope protein 1; minus strand). Cytogenetic location: 6q25.2.
Variant type: single nucleotide variant.
Coding change: c.14491G>C on transcript NM_182961.4 (MANE Select); coding-DNA position 14491, G replaced by C.
Protein change: p.Val4831Leu; replaces valine 4831 with leucine.
Molecular consequence: missense variant.
Genome position (GRCh38, 1-based): chr6:152,330,194, C>G on the plus strand (G>C on the coding strand, the complement: SYNE1 is on the minus strand). VCF-style: chr6-152330194-C-G. GRCh37 (hg19) VCF-style: chr6-152651329-C-G.
Other names: p.Val4760Leu; c.14278G>C, p.Val4760Leu (NM_033071.5); short protein forms V4760L, V4831L.
Identifiers: ClinVar variation 500619 (VCV000500619.12), dbSNP rs375977864, ClinGen allele CA4055995.
Genomic context (GRCh38, chr6:152,330,194, plus strand): 5'-AAGCCAAGGGGTCAAGGTGTGGGGCAAGATCTTCAAGATGTATGGTTACTCGTTTCAGTA[C>G]AATCCCTGAGTCCTGGAGACTTCCTGCCAGGGAGTGATACATTTTGAGCTTCTCCTCTGC-3'
Protein context (NP_892006.3, residues 4821-4841): LAGSLQDSGI[Val4831Leu]LKRVTIHLED

ClinVar aggregate classification (germline): Uncertain significance. Review status: criteria provided, multiple submitters, no conflicts (2 of 4 stars). 4 submissions from 4 submitters: Uncertain significance (4). Last evaluated 2024-08-21.

Conditions:
Emery-Dreifuss muscular dystrophy 4, autosomal dominant (EDMD4). Also called: EMERY-DREIFUSS MUSCULAR DYSTROPHY 4 WITH VARIABLE FEATURES. Identifiers: Orphanet 261, MedGen C2751807, MONDO:0013071, OMIM 612998.
Autosomal recessive ataxia, Beauce type. Also called: SYNE1 Deficiency; Spinocerebellar ataxia, autosomal recessive 8; ATAXIA, RECESSIVE, OF BEAUCE; SYNE1-Related Autosomal Recessive Cerebellar Ataxia. Identifiers: Orphanet 88644, MedGen C1853116, MONDO:0012549, OMIM 610743.

Allele frequency attached by ClinVar (database versions not stated): gnomAD exomes 0.00001 and 0.00002; ExAC 0.00002; ESP Exome Variant Server 0.00008; gnomAD 0.00009 and 0.00010; TOPMed 0.00011.
gnomAD v4.1: 22 of 1,614,060 alleles (0.0014%); highest among the groups gnomAD compares: African/African-American, 0.027%; no homozygotes.

Submissions (4):

Mayo Clinic Laboratories, Mayo Clinic
Classification: Uncertain significance. Last evaluated: 2024-08-21. Review status: criteria provided, single submitter. Criteria: ACMG Guidelines, 2015. Collection method: clinical testing. Allele origin: germline. Observed: 1 variant allele.
Comment: BP4

Labcorp Genetics (formerly Invitae), Labcorp
Classification: Uncertain significance for Emery-Dreifuss muscular dystrophy 4, autosomal dominant; Autosomal recessive ataxia, Beauce type. Last evaluated: 2023-12-18. Review status: criteria provided, single submitter. Criteria: Invitae Variant Classification Sherloc (09022015). Collection method: clinical testing. Allele origin: germline.
Comment: This sequence change replaces valine, which is neutral and non-polar, with leucine, which is neutral and non-polar, at codon 4760 of the SYNE1 protein (p.Val4760Leu). This variant is present in population databases (rs375977864, gnomAD 0.02%). This variant has not been reported in the literature in individuals affected with SYNE1-related conditions. ClinVar contains an entry for this variant (Variation ID: 500619). Algorithms developed to predict the effect of missense changes on protein structure and function output the following: SIFT: "Not Available"; PolyPhen-2: "Benign"; Align-GVGD: "Not Available". The leucine amino acid residue is found in multiple mammalian species, which suggests that this missense change does not adversely affect protein function. In summary, the available evidence is currently insufficient to determine the role of this variant in disease. Therefore, it has been classified as a Variant of Uncertain Significance.

GeneDx
Classification: Uncertain significance. Last evaluated: 2020-06-03. Review status: criteria provided, single submitter. Criteria: GeneDx Variant Classification Process June 2021. Collection method: clinical testing. Allele origin: germline. Affected: yes.
Comment: In silico analysis supports that this missense variant does not alter protein structure/function; Has not been previously published as pathogenic or benign to our knowledge

Eurofins Ntd Llc (ga)
Classification: Uncertain significance. Last evaluated: 2017-02-27. Review status: criteria provided, single submitter. Criteria: EGL Classification Definitions 2015. Collection method: clinical testing. Allele origin: germline. Observed: 1 variant allele, 1 heterozygote.